The following is an entry in ClinVar:

NM_024312.5(GNPTAB):c.2886C>A (p.Asp962Glu)

Gene: GNPTAB (N-acetylglucosamine-1-phosphate transferase subunits alpha and beta; minus strand). Cytogenetic location: 12q23.2.
Variant type: single nucleotide variant.
Coding change: c.2886C>A on transcript NM_024312.5 (MANE Select); coding-DNA position 2886, C replaced by A.
Protein change: p.Asp962Glu; replaces aspartic acid 962 with glutamic acid.
Molecular consequence: missense variant.
Genome position (GRCh38, 1-based): chr12:101,761,593, G>T on the plus strand (C>A on the coding strand, the complement: GNPTAB is on the minus strand). VCF-style: chr12-101761593-G-T. GRCh37 (hg19) VCF-style: chr12-102155371-G-T.
Other names: short protein forms D962E.
Identifiers: ClinVar variation 1473892 (VCV001473892.6), dbSNP rs368650569, ClinGen allele CA386296140.

ClinVar aggregate classification (germline): Uncertain significance (1 of 4 stars; one submission).

Conditions:
Pseudo-Hurler polydystrophy. Also called: ML III; ML III ALPHA/BETA; Type III Mucolipidosis; ML IIIA; Mucolipidosis III Alpha/Beta; MUCOLIPIDOSIS IIIA. Identifiers: Orphanet 423461, Orphanet 577, MedGen C0033788, MONDO:0018931, OMIM 252600.
Mucolipidosis type II. Also called: ML II ALPHA/BETA; Mucolipidosis 2; ML 2; Inclusion cell disease; Leroy Disease; N-acetylglucosamine 1phosphotransferase deficiency. Identifiers: Orphanet 576, MedGen C2673377, MONDO:0009650, OMIM 252500.

Submission:

Labcorp Genetics (formerly Invitae), Labcorp
Classification: Uncertain significance for Pseudo-Hurler polydystrophy; Mucolipidosis type II. Last evaluated: 2021-10-16. Review status: criteria provided, single submitter. Criteria: Invitae Variant Classification Sherloc (09022015). Collection method: clinical testing. Allele origin: germline.
Comment: This sequence change replaces aspartic acid with glutamic acid at codon 962 of the GNPTAB protein (p.Asp962Glu). The aspartic acid residue is highly conserved and there is a small physicochemical difference between aspartic acid and glutamic acid. This variant is not present in population databases (ExAC no frequency). This variant has not been reported in the literature in individuals affected with GNPTAB-related conditions. Advanced modeling of protein sequence and biophysical properties (such as structural, functional, and spatial information, amino acid conservation, physicochemical variation, residue mobility, and thermodynamic stability) performed at Invitae indicates that this missense variant is expected to disrupt GNPTAB protein function. In summary, the available evidence is currently insufficient to determine the role of this variant in disease. Therefore, it has been classified as a Variant of Uncertain Significance.